The following is an entry in ClinVar:

ClinVar aggregate classification (germline): Likely benign (1 of 4 stars; one submission).

Allele frequency attached by ClinVar (database versions not stated): ESP Exome Variant Server 0.00016; ExAC 0.00025; gnomAD 0.00025; TOPMed 0.00026; gnomAD exomes 0.00037.
gnomAD v4.1: 573 of 1,614,208 alleles (0.035%); highest among the groups gnomAD compares: Middle Eastern, 0.049%; no homozygotes.

Submission:

CeGaT Center for Human Genetics Tuebingen
Classification: Likely benign. Last evaluated: 2022-06-01. Review status: criteria provided, single submitter. Criteria: CeGaT Center For Human Genetics Tuebingen Variant Classification Criteria Version 2. Collection method: clinical testing. Allele origin: germline. Affected: yes. Observed: 1 variant allele.
Comment: MGRN1: BP4, BP7

NM_015246.4(MGRN1):c.657G>C (p.Val219=)

Gene: MGRN1 (mahogunin ring finger 1; plus strand). Cytogenetic location: 16p13.3.
Variant type: single nucleotide variant.
Coding change: c.657G>C on transcript NM_015246.4 (MANE Select); coding-DNA position 657, G replaced by C.
Protein change: p.Val219=; no amino-acid change (valine 219 retained).
Molecular consequence: synonymous variant. On other transcripts: non-coding transcript variant (1).
Genome position (GRCh38, 1-based): chr16:4,665,130, G>C. VCF-style: chr16-4665130-G-C. GRCh37 (hg19) VCF-style: chr16-4715131-G-C.
Other names: c.657G>C, p.Val219= (NM_001142289.3, NM_001142290.3, NM_001142291.3).
Identifiers: ClinVar variation 2646154 (VCV002646154.24), dbSNP rs370162653, ClinGen allele CA7878327.